The following is an entry in ClinVar:

NM_001458.5(FLNC):c.7330G>A (p.Val2444Met)

Genes: FLNC (filamin C; plus strand), FLNC-AS1 (FLNC antisense RNA 1; minus strand). Cytogenetic location: 7q32.1.
Variant type: single nucleotide variant.
Coding change: c.7330G>A on transcript NM_001458.5 (MANE Select); coding-DNA position 7330, G replaced by A.
Protein change: p.Val2444Met; replaces valine 2444 with methionine.
Molecular consequence: missense variant.
Genome position (GRCh38, 1-based): chr7:128,856,596, G>A. VCF-style: chr7-128856596-G-A. GRCh37 (hg19) VCF-style: chr7-128496650-G-A.
Other names: c.7231G>A, p.Val2411Met (NM_001127487.2); short protein forms V2444M, V2411M.
Identifiers: ClinVar variation 3393797 (VCV003393797.1), dbSNP rs267601279.

ClinVar aggregate classification (germline): Uncertain significance (1 of 4 stars; one submission).

Submission:

GeneDx
Classification: Uncertain significance. Last evaluated: 2024-07-05. Review status: criteria provided, single submitter. Criteria: GeneDx Variant Classification Process June 2021. Collection method: clinical testing. Allele origin: germline. Affected: yes.
Comment: Has not been previously published as pathogenic or benign to our knowledge; Not observed at significant frequency in large population cohorts (gnomAD); In silico analysis indicates that this missense variant does not alter protein structure/function